The following is an entry in ClinVar:

NC_000002.11:g.(?_96778624)_(96782311_?)del

Gene: ADRA2B (adrenoceptor alpha 2B; minus strand). Cytogenetic location: 2q11.1.
Variant type: Deletion.
Identifiers: ClinVar variation 4688241 (VCV004688241.1).

ClinVar aggregate classification (germline): Uncertain significance (1 of 4 stars; one submission).

Submission:

Women's Health and Genetics/Laboratory Corporation of America, LabCorp
Classification: Uncertain significance. Last evaluated: 2025-12-17. Review status: criteria provided, single submitter. Criteria: LabCorp Variant Classification Summary - May 2015. Collection method: clinical testing. Allele origin: germline.
Comment: Variant summary: The variant involves the deletion of exon 1 in the ADRA2B gene. This deletion includes the entire coding sequence of the gene. As the exact proximal and distal breakpoints are unknown, it may extend beyond the annotated region of the gene to include other flanking genes. A presumed nomenclature of c.(?_-423)_(*1921_?)del has been designated for the purposes of this classification. Current evidence is not sufficient to establish loss of function as a mechanism for disease. The variant was absent in 21608 control chromosomes. The available data on variant occurrences in the general population are insufficient to allow any conclusion about variant significance. To our knowledge, no occurrence of c.(?_-423)_(*1921_?)del in individuals affected with ADRA2B-related conditions and no experimental evidence demonstrating its impact on protein function have been reported. No submitters have cited clinical-significance assessments for this variant to ClinVar. Based on the evidence outlined above, the variant was classified as uncertain significance.